The following is an entry in ClinVar:

NM_001332.4(CTNND2):c.1398C>A (p.Ser466=)

Gene: CTNND2 (catenin delta 2; minus strand). Cytogenetic location: 5p15.2.
Variant type: single nucleotide variant.
Coding change: c.1398C>A on transcript NM_001332.4 (MANE Select); coding-DNA position 1398, C replaced by A.
Protein change: p.Ser466=; no amino-acid change (serine 466 retained).
Molecular consequence: synonymous variant. On other transcripts: non-coding transcript variant (1).
Genome position (GRCh38, 1-based): chr5:11,346,602, G>T on the plus strand (C>A on the coding strand, the complement: CTNND2 is on the minus strand). VCF-style: chr5-11346602-G-T. GRCh37 (hg19) VCF-style: chr5-11346714-G-T.
Other names: c.1125C>A, p.Ser375= (NM_001288715.1); c.387C>A, p.Ser129= (NM_001288716.1, NM_001364128.2); c.99C>A, p.Ser33= (NM_001288717.2).
Identifiers: ClinVar variation 4986314 (VCV004986314.1).

ClinVar aggregate classification (germline): Likely benign (1 of 4 stars; one submission).

Conditions:
CTNND2-related disorder. Also called: CTNND2-related condition.

gnomAD v4.1: 11 of 1,549,602 alleles (0.00071%); highest among the groups gnomAD compares: Non-Finnish European, 0.00096%; no homozygotes.

Submission:

PreventionGenetics, part of Exact Sciences
Classification: Likely benign for CTNND2-related condition. Last evaluated: 2025-07-14. Review status: criteria provided, single submitter. Criteria: ACMG Guidelines, 2015. Collection method: clinical testing. Allele origin: germline.
Comment: This variant is classified as likely benign based on ACMG/AMP sequence variant interpretation guidelines (Richards et al. 2015 PMID: 25741868, with internal and published modifications).